The following is an entry in ClinVar:

ClinVar aggregate classification (germline): Benign/Likely benign. Review status: criteria provided, multiple submitters, no conflicts (2 of 4 stars). 4 submissions from 4 submitters: Benign (1); Likely benign (3). Last evaluated 2026-01-08.

Conditions:
Hereditary cancer-predisposing syndrome. Also called: Neoplastic Syndromes, Hereditary; Hereditary neoplastic syndrome; Hereditary Cancer Syndrome; Tumor predisposition. Identifiers: Orphanet 140162, MedGen C0027672, MeSH D009386, MONDO:0015356.
Ataxia-telangiectasia syndrome (AT). Also called: Ataxia-telangiectasia, complementation group D; Ataxia-telangiectasia, complementation group E; LOUIS-BAR SYNDROME; AT, COMPLEMENTATION GROUP C; ATAXIA-TELANGIECTASIA, COMPLEMENTATION GROUP A; ATAXIA-TELANGIECTASIA, FRESNO VARIANT. Identifiers: Orphanet 100, MedGen C0004135, MONDO:0008840, OMIM 208900.
Familial cancer of breast. Also called: hereditary breast carcinoma; Hereditary breast cancer; BREAST CANCER, FAMILIAL. Identifiers: Orphanet 227535, MedGen C0346153, MONDO:0016419, OMIM 114480. Disease mechanism: loss of function.

Allele frequency attached by ClinVar (database versions not stated): gnomAD exomes below 0.00001.
gnomAD v4.1: 1 of 1,614,102 alleles (0.000062%); highest among the groups gnomAD compares: African/African-American, 0.0013%; no homozygotes.

Submissions (4):

Labcorp Genetics (formerly Invitae), Labcorp
Classification: Likely benign for Ataxia-telangiectasia syndrome. Last evaluated: 2026-01-08. Review status: criteria provided, single submitter. Criteria: Invitae Variant Classification Sherloc (09022015). Collection method: clinical testing. Allele origin: germline.

Myriad Genetics, Inc.
Classification: Benign for Familial cancer of breast. Last evaluated: 2024-06-18. Review status: criteria provided, single submitter. Criteria: Myriad Autosomal Dominant, Autosomal Recessive and X-Linked Classification Criteria (2023). Collection method: clinical testing. Allele origin: unknown.
Comment: This variant is considered benign. This variant is a silent/synonymous amino acid change and it is not expected to impact splicing.

Ambry Genetics
Classification: Likely benign for Hereditary cancer-predisposing syndrome. Last evaluated: 2020-05-12. Review status: criteria provided, single submitter. Criteria: Ambry Variant Classification Scheme 2023. Collection method: clinical testing. Allele origin: germline.

GeneDx
Classification: Likely benign. Last evaluated: 2018-08-19. Review status: criteria provided, single submitter. Criteria: GeneDx Variant Classification Process June 2021. Collection method: clinical testing. Allele origin: germline. Affected: yes.

NM_000051.4(ATM):c.8118T>C (p.Gly2706=)

Genes: ATM (ATM serine/threonine kinase; plus strand), C11orf65 (chromosome 11 open reading frame 65; minus strand). Cytogenetic location: 11q22.3.
Variant type: single nucleotide variant.
Coding change: c.8118T>C on transcript NM_000051.4 (MANE Select); coding-DNA position 8118, T replaced by C.
Protein change: p.Gly2706=; no amino-acid change (glycine 2706 retained).
Molecular consequence: synonymous variant. On other transcripts: intron variant (2).
Genome position (GRCh38, 1-based): chr11:108,335,076, T>C. VCF-style: chr11-108335076-T-C. GRCh37 (hg19) VCF-style: chr11-108205803-T-C.
Other names: c.8118T>C, p.Gly2706= (NM_001351834.2); c.641-26005A>G (NM_001330368.2); c.*38+144A>G (NM_001351110.2).
Identifiers: ClinVar variation 381244 (VCV000381244.14), dbSNP rs1057520990, ClinGen allele CA16605833.